The following is an entry in ClinVar:

NM_007294.4(BRCA1):c.5014CAC[1] (p.His1673del)

Gene: BRCA1 (BRCA1 DNA repair associated; minus strand). Cytogenetic location: 17q21.31.
Variant type: Microsatellite.
Coding change: c.5014CAC[1] on transcript NM_007294.4 (MANE Select); one copy of the 3-base unit CAC starting at c.5014; the reference has two copies in a row; one copy, 3 bases deleted; also written c.5017_5019del.
Protein change: p.His1673del; deletes histidine 1673.
Molecular consequence: inframe deletion. On other transcripts: inframe indel (367), non-coding transcript variant (1).
Genome position (GRCh38, 1-based): chr17:43,067,663-43,067,665, GTG deleted on the plus strand (CAC on the coding strand, the reverse complement: BRCA1 is on the minus strand); deleting any 3 consecutive bases within chr17:43,067,663-43,067,668 gives the same sequence; the position shown is the placement nearest the transcript's 3' end. VCF-style (leftmost placement, unchanged base first): chr17-43067662-TGTG-T. GRCh37 (hg19) VCF-style: chr17-41219679-TGTG-T.
Other names: c.5017_5019delCAC (NM_007294.3, NM_007294.4); c.5017_5019del (NM_007294.3, NM_007294.4); c.1489_1491CAC[1], p.His498del (NM_001408492.1, NM_001408493.1); c.1465_1467CAC[1], p.His490del (NM_001408494.1); c.1459_1461CAC[1], p.His488del (NM_001408495.1); c.1441_1443CAC[1], p.His482del (NM_001408496.1, NM_001408497.1, NM_001408498.1 and 3 more transcripts); c.1438_1440CAC[1], p.His481del (NM_001408502.1, NM_001408503.1, NM_001408504.1); c.1435_1437CAC[1], p.His480del (NM_001408505.1); and 75 more; short protein forms H1673del, H1694del, H569del, H1626del, H1377del, H1545del, H1560del, H1561del.
Identifiers: ClinVar variation 55355 (VCV000055355.48), dbSNP rs80358343, ClinGen allele CA003154.

ClinVar aggregate classification (germline): Pathogenic/Likely pathogenic. Review status: criteria provided, multiple submitters, no conflicts (2 of 4 stars). 18 submissions from 18 submitters: Pathogenic (5); Likely pathogenic (11). 2 of the submissions do not count toward it. Last evaluated 2025-11-26.

Conditions:
Hereditary cancer-predisposing syndrome. Also called: Hereditary Cancer Syndrome; Hereditary neoplastic syndrome; Neoplastic Syndromes, Hereditary; Tumor predisposition. Identifiers: Orphanet 140162, MedGen C0027672, MeSH D009386, MONDO:0015356.
Breast-ovarian cancer, familial, susceptibility to, 1 (BROVCA1). Also called: BRCA1 Hereditary Breast and Ovarian Cancer; OVARIAN CANCER, SUSCEPTIBILITY TO. Identifiers: Orphanet 145, MedGen C2676676, MONDO:0011450, OMIM 604370. Disease mechanism: loss of function.
Hereditary breast ovarian cancer syndrome. Also called: BRCA1- and BRCA2-Associated Hereditary Breast and Ovarian Cancer; Hereditary breast and ovarian cancer syndrome; Hereditary breast and ovarian cancer syndrome (HBOC); Breast and ovarian cancer; Hereditary breast and/or ovarian cancer syndrome; Hereditary breast and ovarian cancer. Identifiers: Orphanet 145, MedGen C0677776, MeSH D061325, MONDO:0003582. Disease mechanism: loss of function.

Submissions 1 to 7 of 18:

Dasa
Classification: Likely pathogenic for Breast-ovarian cancer, familial, susceptibility to, 1. Last evaluated: 2025-11-26. Review status: criteria provided, single submitter. Criteria: DASA Assertion Criteria. Collection method: clinical testing. Allele origin: germline.
Comment: NM_007294.4(BRCA1):c.5017_5019del (p.His1673del) is an in-frame deletion predicted to remove histidine at protein position 1673 without shifting the reading frame. This variant has been reported in individuals with Breast-ovarian cancer, familial, susceptibility to, 1 (PMID: 35373906). Also, this variant is absent from population databases. Based on the currently available evidence, this variant is classified as likely pathogenic.

Labcorp Genetics (formerly Invitae), Labcorp
Classification: Pathogenic for Hereditary breast ovarian cancer syndrome. Last evaluated: 2025-11-13. Review status: criteria provided, single submitter. Criteria: Invitae Variant Classification Sherloc (09022015). Collection method: clinical testing. Allele origin: germline.
Comment: This variant, c.5017_5019del, results in the deletion of 1 amino acid(s) of the BRCA1 protein (p.His1673del), but otherwise preserves the integrity of the reading frame. This variant is not present in population databases (gnomAD no frequency). This variant has been observed in individual(s) with BRCA1-related conditions (PMID: 11802209, 18092194, 19499246, 27062684, 28186987, 34645131, 36601340; internal data). It has also been observed to segregate with disease in related individuals. This variant is also known as 5136delCAC. ClinVar contains an entry for this variant (Variation ID: 55355). Based on a multifactorial likelihood algorithm using genetic, in silico, and/or statistical data, this variant has been determined to have a high probability of being pathogenic (PMID: 28186987). For these reasons, this variant has been classified as Pathogenic.

Ambry Genetics
Classification: Likely pathogenic for Hereditary cancer-predisposing syndrome. Last evaluated: 2025-02-06. Review status: criteria provided, single submitter. Criteria: Ambry Variant Classification Scheme 2023. Collection method: clinical testing. Allele origin: germline.
Comment: The c.5017_5019delCAC variant (also known as p.H1673del) is located in coding exon 15 of the BRCA1 gene. This variant results from an in-frame CAC deletion at nucleotide positions 5017 to 5019. This results in the in-frame deletion of a histidine at codon 1673. This amino acid position is not well conserved in available vertebrate species. This variant was identified in one or more individuals with features consistent with BRCA1-related cancer predisposition and segregated with disease in at least one family (Meindl A et al. Int J Cancer, 2002 Feb;97:472-80; Seymour IJ et al. Breast Cancer Res Treat, 2008 Nov;112:343-9; Azzollini J et al. Eur J Intern Med, 2016 Jul;32:65-71; Zuntini R et al. Oncotarget, 2017 Apr;8:22640-22648; Meisel C et al. Arch Gynecol Obstet, 2017 May;295:1227-1238; Ryu JM et al. Breast, 2017 Jun;33:109-116; Ha HI et al. J Gynecol Oncol, 2020 Nov;31:e83; Bang YJ et al. Cancer Res Treat, 2022 Jul;54:827-833; Hovland HN et al. Fam Cancer, 2022 Oct;21:389-398; Ambry internal data). This variant has also been identified in conjunction with other BRCA1 variant(s) in individual(s) with features consistent with BRCA1-related Fanconi anemia; in at least one instance, the variants were identified in trans (Borlin PR et al. Pediatr Blood Cancer, 2022 Oct;69:e29680). This variant is considered to be rare based on population cohorts in the Genome Aggregation Database (gnomAD). This variant is also designated as 5136delCAC in the published literature. Based on the majority of available evidence to date, this variant is likely to be pathogenic.

GeneDx
Classification: Pathogenic. Last evaluated: 2024-11-07. Review status: criteria provided, single submitter. Criteria: GeneDx Variant Classification Process June 2021. Collection method: clinical testing. Allele origin: germline. Affected: yes.
Comment: This in-frame deletion of 3 nucleotides in BRCA1 is denoted c.5017_5019delCAC at the cDNA level and p.His1673del (H1673del) at the protein level. The normal sequence, with the bases that are deleted in brackets, is ACAC[delCAC]ATCA. This deletion of a single Histidine residue occurs at a position that is not conserved and is located in the BRCT1 domain as well as a region known to interact with multiple other proteins (Paul 2014, UniProt). This variant has been observed in individuals with breast and/or ovarian cancer (Lim 2009, Ryu 2017, Zuntini 2017). Protein modeling suggests that this residue may play a role in protein stability (Coquelle 2011). Since in-frame deletions may or may not inhibit proper protein functioning, the clinical significance of this finding remains unclear at this time and we consider BRCA1 His1673del to be a variant of uncertain significance.

Women's Health and Genetics/Laboratory Corporation of America, LabCorp
Classification: Pathogenic for Hereditary breast ovarian cancer syndrome. Last evaluated: 2024-06-27. Review status: criteria provided, single submitter. Criteria: LabCorp Variant Classification Summary - May 2015. Collection method: clinical testing. Allele origin: germline.
Comment: Variant summary: BRCA1 c.5017_5019delCAC (p.His1673del) results in an in-frame deletion that is predicted to remove 1 amino acid from the encoded protein. The variant was absent in 252158 control chromosomes (gnomAD). c.5017_5019delCAC has been reported in the literature in multiple individuals affected with Hereditary Breast And Ovarian Cancer Syndrome (e.g. Zuntini_2017, Bang_2022). These data indicate that the variant is very likely to be associated with disease. The following publications have been ascertained in the context of this evaluation (PMID: 11802209, 36601340, 19941162, 19499246, 18092194, 27062684, 28186987). ClinVar contains an entry for this variant (Variation ID: 55355). Based on the evidence outlined above, the variant was classified as pathogenic.

ARUP Laboratories, Molecular Genetics and Genomics, ARUP Laboratories
Classification: Likely pathogenic. Last evaluated: 2024-05-01. Review status: criteria provided, single submitter. Criteria: ARUP Molecular Germline Variant Investigation Process 2024. Collection method: clinical testing. Allele origin: germline.
Comment: The BRCA1 c.5017_5019del; p.His1673del variant (rs80358343; ClinVar Variation ID: 55355) has been described in the literature in multiple individuals and families with breast and ovarian cancer (Bang 2022), with some families showing incomplete co-segregation of the variant with disease (Zuntini 2017). This variant was found in trans with a pathogenic variant in an infant with Fanconi anemia (Borlin 2022). This variant is absent from the Genome Aggregation Database (v2.1.1), indicating it is not a common polymorphism. This variant deletes a single histidine residue leaving the rest of the predicted protein in-frame. Based on available information, this variant is considered to be likely pathogenic. References: Bang YJ et al. Comprehensive clinical characterization of patients with BRCA1: c.5017_5019del germline variant. Ann Surg Treat Res. 2022 Dec;103(6):323-330. PMID: 36601340. Borlin PR et al. Cancer in children with biallelic BRCA1 variants and Fanconi anemia-like features: Report of a malignant brain tumor in a young child. Pediatr Blood Cancer. 2022 Oct;69(10):e29680. PMID: 35373906. Zuntini R et al. BRCA1 p.His1673del is a pathogenic mutation associated with a predominant ovarian cancer phenotype. Oncotarget. 2017 Apr 4;8(14):22640-22648. PMID: 28186987.

German Consortium for Hereditary Breast and Ovarian Cancer, University Hospital Cologne
Classification: Likely pathogenic for Hereditary breast ovarian cancer syndrome. Last evaluated: 2024-01-18. Review status: criteria provided, single submitter. Criteria: ClinGen BRCA1 V1.0.0. Collection method: curation. Allele origin: germline.
Comment: . According to the ClinGen ENIGMA BRCA1 v1.0.0 criteria we chose these criteria: PM2 (supporting pathogenic): Absent from gnomAD, PM3 (medium pathogenic): Borlin 2022 (PMID: 35373906): 1 Pat. comp. het. +c.1116G>A [p.(Trp372*)]; MMC-induced chromosomal breakage analysis in peripheral blood lymphocytes showed strongly reduced proliferation upon stimulation, but no evidence of increased chromosomal breakage; phenotype: cancer diagnosis ≤5yr + FA physical features score: 2 = moderate, PP1 (strong pathogenic): Among these, co-segregation in the 4 pedigrees with multiple members tested (the largest one is shown in Figure ​Figure2)2) resulted in a combined odds in favor of causality of 16.1:1. Parsons et al. Segregation LR=17.557504599